The following is an entry in ClinVar:

ClinVar aggregate classification (germline): Uncertain significance (1 of 4 stars; one submission).

Conditions:
Saldino-Mainzer syndrome (SRTD9). Also called: CONORENAL SYNDROME; Renal dysplasia, retinal pigmentary dystrophy, cerebellar ataxia and skeletal dysplasia; SHORT-RIB THORACIC DYSPLASIA 9 WITHOUT POLYDACTYLY; short-rib thoracic dysplasia 9 with or without polydactyly. Identifiers: Orphanet 140969, MedGen C1849437, MONDO:0009964, OMIM 266920.

Submission:

Labcorp Genetics (formerly Invitae), Labcorp
Classification: Uncertain significance for Saldino-Mainzer syndrome. Last evaluated: 2022-08-09. Review status: criteria provided, single submitter. Criteria: Invitae Variant Classification Sherloc (09022015). Collection method: clinical testing. Allele origin: germline.
Comment: In summary, the available evidence is currently insufficient to determine the role of this variant in disease. Therefore, it has been classified as a Variant of Uncertain Significance. Algorithms developed to predict the effect of sequence changes on RNA splicing suggest that this variant may disrupt the consensus splice site. This variant has not been reported in the literature in individuals affected with IFT140-related conditions. This variant is not present in population databases (gnomAD no frequency). This sequence change falls in intron 8 of the IFT140 gene. It does not directly change the encoded amino acid sequence of the IFT140 protein.

NM_014714.4(IFT140):c.903-5T>A

Genes: IFT140 (intraflagellar transport 140; minus strand), LOC105371046 (uncharacterized LOC105371046; plus strand). Cytogenetic location: 16p13.3.
Variant type: single nucleotide variant.
Coding change: c.903-5T>A on transcript NM_014714.4 (MANE Select); 5 bases into the intron before coding-DNA position 903, T replaced by A.
Molecular consequence: intron variant.
Genome position (GRCh38, 1-based): chr16:1,587,309, A>T on the plus strand (T>A on the coding strand, the complement: IFT140 is on the minus strand). VCF-style: chr16-1587309-A-T. GRCh37 (hg19) VCF-style: chr16-1637310-A-T.
Identifiers: ClinVar variation 2023241 (VCV002023241.4), dbSNP rs900599017, ClinGen allele CA2580090472.